The following is an entry in ClinVar:

NM_000346.4(SOX9):c.664C>T (p.His222Tyr)

Gene: SOX9 (SRY-box transcription factor 9; plus strand). Cytogenetic location: 17q24.3.
Variant type: single nucleotide variant.
Coding change: c.664C>T on transcript NM_000346.4 (MANE Select); coding-DNA position 664, C replaced by T.
Protein change: p.His222Tyr; replaces histidine 222 with tyrosine.
Molecular consequence: missense variant.
Genome position (GRCh38, 1-based): chr17:72,122,951, C>T. VCF-style: chr17-72122951-C-T. GRCh37 (hg19) VCF-style: chr17-70119092-C-T.
Other names: short protein forms H222Y.
Identifiers: ClinVar variation 4729928 (VCV004729928.1).

ClinVar aggregate classification (germline): Uncertain significance (1 of 4 stars; one submission).

Conditions:
Camptomelic dysplasia (CMPD). Also called: Campomelic Dysplasia; CMPD1/SRA1. Identifiers: Orphanet 140, MedGen C1861922, MONDO:0007251, OMIM 114290.

Submission:

Labcorp Genetics (formerly Invitae), Labcorp
Classification: Uncertain significance for Camptomelic dysplasia. Last evaluated: 2025-06-12. Review status: criteria provided, single submitter. Criteria: Invitae Variant Classification Sherloc (09022015). Collection method: clinical testing. Allele origin: germline.
Comment: This sequence change replaces histidine, which is basic and polar, with tyrosine, which is neutral and polar, at codon 222 of the SOX9 protein (p.His222Tyr). This variant is present in population databases (rs769133543, gnomAD 0.006%). This variant has not been reported in the literature in individuals affected with SOX9-related conditions. Invitae Evidence Modeling of protein sequence and biophysical properties (such as structural, functional, and spatial information, amino acid conservation, physicochemical variation, residue mobility, and thermodynamic stability) has been performed for this missense variant. However, the output from this modeling did not meet the statistical confidence thresholds required to predict the impact of this variant on SOX9 protein function. In summary, the available evidence is currently insufficient to determine the role of this variant in disease. Therefore, it has been classified as a Variant of Uncertain Significance.